The following is an entry in ClinVar:

NM_001085487.3(MYSM1):c.2329-14_2329-13del

Gene: MYSM1 (Myb like, SWIRM and MPN domains 1; minus strand). Cytogenetic location: 1p32.1.
Variant type: Deletion.
Coding change: c.2329-14_2329-13del on transcript NM_001085487.3 (MANE Select); 14 bases into the intron before coding-DNA position 2329 through 13 bases into the intron before coding-DNA position 2329, 2 bases deleted (TT; older notation c.2329-14_2329-13delTT).
Molecular consequence: intron variant.
Genome position (GRCh38, 1-based): chr1:58,660,168-58,660,169, AA deleted on the plus strand (TT on the coding strand, the reverse complement: MYSM1 is on the minus strand); deleting any 2 consecutive bases within chr1:58,660,168-58,660,171 gives the same sequence; the c. name uses the placement nearest the transcript's 3' end. VCF-style (leftmost placement, unchanged base first): chr1-58660167-GAA-G. GRCh37 (hg19) VCF-style: chr1-59125839-GAA-G.
Identifiers: ClinVar variation 4707905 (VCV004707905.1).

ClinVar aggregate classification (germline): Uncertain significance (1 of 4 stars; one submission).

Submission:

Labcorp Genetics (formerly Invitae), Labcorp
Classification: Uncertain significance. Last evaluated: 2025-07-09. Review status: criteria provided, single submitter. Criteria: Invitae Variant Classification Sherloc (09022015). Collection method: clinical testing. Allele origin: germline.
Comment: This sequence change falls in intron 19 of the MYSM1 gene. It does not directly change the encoded amino acid sequence of the MYSM1 protein. This variant is not present in population databases (gnomAD no frequency). This variant has not been reported in the literature in individuals affected with MYSM1-related conditions. Algorithms developed to predict the effect of sequence changes on RNA splicing suggest that this variant may disrupt the consensus splice site. In summary, the available evidence is currently insufficient to determine the role of this variant in disease. Therefore, it has been classified as a Variant of Uncertain Significance.